The following is an entry in ClinVar:

NM_004104.5(FASN):c.2770A>G (p.Ile924Val)

Gene: FASN (fatty acid synthase; minus strand). Cytogenetic location: 17q25.3.
Variant type: single nucleotide variant.
Coding change: c.2770A>G on transcript NM_004104.5 (MANE Select); coding-DNA position 2770, A replaced by G.
Protein change: p.Ile924Val; replaces isoleucine 924 with valine.
Molecular consequence: missense variant.
Genome position (GRCh38, 1-based): chr17:82,088,131, T>C on the plus strand (A>G on the coding strand, the complement: FASN is on the minus strand). VCF-style: chr17-82088131-T-C. GRCh37 (hg19) VCF-style: chr17-80046007-T-C.
Other names: c.2770A>G (NM_004104.4); short protein forms I924V.
Identifiers: ClinVar variation 1436873 (VCV001436873.11), dbSNP rs762251297, ClinGen allele CA8852665.

ClinVar aggregate classification (germline): Uncertain significance. Review status: criteria provided, multiple submitters, no conflicts (2 of 4 stars). 3 submissions from 3 submitters: Uncertain significance (3). Last evaluated 2025-04-04.

Conditions:
Epileptic encephalopathy. Identifiers: MedGen C0543888, HP:0200134.

Allele frequency attached by ClinVar (database versions not stated): gnomAD 0.00001; ExAC 0.00002; TOPMed 0.00002; gnomAD exomes 0.00003 and 0.00008.
gnomAD v4.1: 124 of 1,612,622 alleles (0.0077%); highest among the groups gnomAD compares: Non-Finnish European, 0.0095%; no homozygotes.

Submissions (3):

Ambry Genetics
Classification: Uncertain significance. Last evaluated: 2025-04-04. Review status: criteria provided, single submitter. Criteria: Ambry Variant Classification Scheme 2023. Collection method: clinical testing. Allele origin: germline.

Labcorp Genetics (formerly Invitae), Labcorp
Classification: Uncertain significance for Epileptic encephalopathy. Last evaluated: 2024-10-24. Review status: criteria provided, single submitter. Criteria: Invitae Variant Classification Sherloc (09022015). Collection method: clinical testing. Allele origin: germline.
Comment: This sequence change replaces isoleucine, which is neutral and non-polar, with valine, which is neutral and non-polar, at codon 924 of the FASN protein (p.Ile924Val). This variant is present in population databases (rs762251297, gnomAD 0.004%). This variant has not been reported in the literature in individuals affected with FASN-related conditions. ClinVar contains an entry for this variant (Variation ID: 1436873). An algorithm developed to predict the effect of missense changes on protein structure and function (PolyPhen-2) suggests that this variant is likely to be tolerated. In summary, the available evidence is currently insufficient to determine the role of this variant in disease. Therefore, it has been classified as a Variant of Uncertain Significance.

Breakthrough Genomics
Classification: Uncertain significance. Review status: criteria provided, single submitter. Criteria: ACMG Guidelines, 2015. Collection method: not provided. Allele origin: germline. Inheritance: Unknown mechanism. Affected: yes.